The following is an entry in ClinVar:

ClinVar aggregate classification (germline): Pathogenic (1 of 4 stars; one submission).

Conditions:
Cerebral cavernous malformation (CCM). Also called: Cerebral cavernous malformations; Cerebral cavernous hemangioma (type); CAVERNOUS ANGIOMA, FAMILIAL; CAVERNOUS ANGIOMATOUS MALFORMATIONS; CEREBRAL CAPILLARY MALFORMATIONS; Cavernous Hemangioma of Brain. Identifiers: Orphanet 221061, MedGen C2919945, MONDO:0000820, OMIM 116860, HP:0033522.

Submission:

Labcorp Genetics (formerly Invitae), Labcorp
Classification: Pathogenic for Cerebral cavernous malformation. Last evaluated: 2026-01-12. Review status: criteria provided, single submitter. Criteria: Invitae Variant Classification Sherloc (09022015). Collection method: clinical testing. Allele origin: germline.
Comment: This sequence change creates a premature translational stop signal (p.Trp404*) in the KRIT1 gene. It is expected to result in an absent or disrupted protein product. Loss-of-function variants in KRIT1 are known to be pathogenic (PMID: 10508515, 11222804, 12404106, 24689081). This variant is not present in population databases (gnomAD no frequency). This premature translational stop signal has been observed in individual(s) with cerebral cavernous malformations (PMID: 10508515). This variant is also known as c.1211G>A. ClinVar contains an entry for this variant (Variation ID: 1075800). For these reasons, this variant has been classified as Pathogenic.

Literature cited by the submitters: PubMed 10508515; PubMed 11222804; PubMed 12404106; PubMed 24689081.

NM_194454.3(KRIT1):c.1212G>A (p.Trp404Ter)

Gene: KRIT1 (KRIT1 ankyrin repeat containing; minus strand). Cytogenetic location: 7q21.2.
Variant type: single nucleotide variant.
Coding change: c.1212G>A on transcript NM_194454.3 (MANE Select); coding-DNA position 1212, G replaced by A.
Protein change: p.Trp404Ter; replaces tryptophan 404 with a stop codon.
Molecular consequence: nonsense.
Genome position (GRCh38, 1-based): chr7:92,225,762, C>T on the plus strand (G>A on the coding strand, the complement: KRIT1 is on the minus strand). VCF-style: chr7-92225762-C-T. GRCh37 (hg19) VCF-style: chr7-91855076-C-T.
Other names: c.1068G>A, p.Trp356Ter (NM_001013406.2, NM_001350669.1, NM_001350670.1); c.498G>A, p.Trp166Ter (NM_001350671.1); c.1212G>A, p.Trp404Ter (NM_001350672.1, NM_001350673.1, NM_001350674.1 and 26 more transcripts); short protein forms W166*, W356*, W404*.
Identifiers: ClinVar variation 1075800 (VCV001075800.10), dbSNP rs2131510638, ClinGen allele CA368150695.
Genomic context (GRCh38, chr7:92,225,762, plus strand): 5'-TATGAAGATAATTCTTACTGGTTTGTTAATTGCTTCCTTCAACAATTTTGCAGCTTCTTC[C>T]CAGTTGTTTTGTTTGTTTTCTTCACAAATATTTAATGGAGATCTTCCTTGTTGGTCTGTT-3'